The following is an entry in ClinVar:

ClinVar aggregate classification (germline): Pathogenic (1 of 4 stars; one submission).

Conditions:
Seizures, benign familial infantile, 5 (BFIS5). Also called: CONVULSIONS, BENIGN FAMILIAL INFANTILE, 5. Identifiers: Orphanet 306, MedGen C4310728, MONDO:0014903, OMIM 617080.
Developmental and epileptic encephalopathy, 13 (DEE13). Also called: Developmental and Epileptic Encephalopathy (SCN8A-DEE); Early infantile epileptic encephalopathy 13; SCN8A-Related Epilepsy. Identifiers: Orphanet 442835, MedGen C3281191, MONDO:0013801, OMIM 614558.

Submission:

New York Genome Center
Classification: Pathogenic for Seizures, benign familial infantile, 5; Developmental and epileptic encephalopathy, 13. Last evaluated: 2021-03-12. Review status: criteria provided, single submitter. Criteria: NYGC Assertion Criteria 2020. Collection method: clinical testing. Allele origin: de novo. Observed: 1 heterozygote. Study: CSER-NYCKidSeq.
Comment: The de novo heterozygous c.2901+2T>C variant identified in intron16 (of 26) of the SCN8A gene has not been reported in affected individuals in the literature. The variant affects the canonical splice site in intron 16 of the SCN8A gene. The c.2901+2T>C variant is expected to disrupt normal mRNA splicing and is predicted to result in an in-frame deletionof exon 16. The loss of exon 16 is expected to remove 119 amino acids (Leu849 to Val967) which are part of the functionally important domain II (DII). The variant is absent from the gnomAD(v3) database suggesting that it is not a common benign variant in the populations represented in that database. Based on the available evidence, the de novo heterozygous c.2901+2T>C splice-site variant identified in intron16 (of 26) of the SCN8A gene is reported as Pathogenic.

NM_001330260.2(SCN8A):c.2901+2T>C

Gene: SCN8A (sodium voltage-gated channel alpha subunit 8; plus strand). Cytogenetic location: 12q13.13.
Variant type: single nucleotide variant.
Coding change: c.2901+2T>C on transcript NM_001330260.2 (MANE Select); the canonical splice donor site of the intron after coding-DNA position 2901, T replaced by C.
Molecular consequence: splice donor variant.
Genome position (GRCh38, 1-based): chr12:51,766,029, T>C. VCF-style: chr12-51766029-T-C. GRCh37 (hg19) VCF-style: chr12-52159813-T-C.
Other names: c.2901+2T>C (NM_014191.4, NM_001177984.3, NM_001369788.1).
Identifiers: ClinVar variation 1342316 (VCV001342316.2), dbSNP rs2138863154, ClinGen allele CA384890291.